The following is an entry in ClinVar:

ClinVar aggregate classification (germline): Uncertain significance (1 of 4 stars; one submission).

Conditions:
Hereditary cancer-predisposing syndrome. Also called: Neoplastic Syndromes, Hereditary; Tumor predisposition; Hereditary Cancer Syndrome; Hereditary neoplastic syndrome. Identifiers: Orphanet 140162, MedGen C0027672, MeSH D009386, MONDO:0015356.

Submission:

Ambry Genetics
Classification: Uncertain significance for Hereditary cancer-predisposing syndrome. Last evaluated: 2026-05-08. Review status: criteria provided, single submitter. Criteria: Ambry Variant Classification Scheme 2023. Collection method: clinical testing. Allele origin: germline.
Comment: The p.L1489F variant (also known as c.4467A>C), located in coding exon 15 of the APC gene, results from an A to C substitution at nucleotide position 4467. The leucine at codon 1489 is replaced by phenylalanine, an amino acid with highly similar properties. This amino acid position is well conserved in available vertebrate species. In addition, in silico predictors for this gene do not accurately predict pathogenicity. Missense variants in APC are not a common cause of disease (Spier I et al. Genet Med. 2024 Feb;26(2):100992). Based on the available evidence, the clinical significance of this variant remains unclear.

NM_000038.6(APC):c.4467A>C (p.Leu1489Phe)

Gene: APC (APC regulator of Wnt signaling pathway; plus strand). Cytogenetic location: 5q22.2.
Variant type: single nucleotide variant.
Coding change: c.4467A>C on transcript NM_000038.6 (MANE Select); coding-DNA position 4467, A replaced by C.
Protein change: p.Leu1489Phe; replaces leucine 1489 with phenylalanine.
Molecular consequence: missense variant. On other transcripts: non-coding transcript variant (2).
Genome position (GRCh38, 1-based): chr5:112,840,061, A>C. VCF-style: chr5-112840061-A-C. GRCh37 (hg19) VCF-style: chr5-112175758-A-C.
Other names: c.4467A>C, p.Leu1489Phe (NM_001127510.3, NM_001354895.2, NM_001407450.1); c.4413A>C, p.Leu1471Phe (NM_001127511.3); c.4521A>C, p.Leu1507Phe (NM_001354896.2, NM_001407447.1, NM_001407448.1 and 1 more transcripts); c.4497A>C, p.Leu1499Phe (NM_001354897.2); c.4392A>C, p.Leu1464Phe (NM_001354898.2); c.4383A>C, p.Leu1461Phe (NM_001354899.2); c.4344A>C, p.Leu1448Phe (NM_001354900.2); c.4290A>C, p.Leu1430Phe (NM_001354901.2, NM_001407453.1); and 11 more; short protein forms L1105F, L1206F, L1329F, L1360F, L1363F, L1388F, L1398F, L1406F.
Identifiers: ClinVar variation 4861502 (VCV004861502.1).